The following is an entry in ClinVar:

NM_000426.4(LAMA2):c.3350C>T (p.Thr1117Ile)

Gene: LAMA2 (laminin subunit alpha 2; plus strand). Cytogenetic location: 6q22.33.
Variant type: single nucleotide variant.
Coding change: c.3350C>T on transcript NM_000426.4 (MANE Select); coding-DNA position 3350, C replaced by T.
Protein change: p.Thr1117Ile; replaces threonine 1117 with isoleucine.
Molecular consequence: missense variant.
Genome position (GRCh38, 1-based): chr6:129,313,036, C>T. VCF-style: chr6-129313036-C-T. GRCh37 (hg19) VCF-style: chr6-129634181-C-T.
Other names: p.Thr1117Ile; c.3350C>T, p.Thr1117Ile (NM_001079823.2); c.3350C>T (NM_000426.3); short protein forms T1117I.
Identifiers: ClinVar variation 1433853 (VCV001433853.6), dbSNP rs749379475, ClinGen allele CA3993236.

ClinVar aggregate classification (germline): Uncertain significance. Review status: criteria provided, multiple submitters, no conflicts (2 of 4 stars). 2 submissions from 2 submitters: Uncertain significance (2). Last evaluated 2023-11-22.

Conditions:
LAMA2-related muscular dystrophy (LAMA2-RD). Also called: Laminin alpha 2-related dystrophy. Identifiers: MedGen C5679788, MONDO:0100228.

Allele frequency attached by ClinVar (database versions not stated): gnomAD exomes below 0.00001; ExAC 0.00001; gnomAD 0.00001; TOPMed 0.00001.
gnomAD v4.1: 3 of 1,613,986 alleles (0.00019%); highest among the groups gnomAD compares: Non-Finnish European, 0.00017%; no homozygotes.

Submissions (2):

Mayo Clinic Laboratories, Mayo Clinic
Classification: Uncertain significance. Last evaluated: 2023-11-22. Review status: criteria provided, single submitter. Criteria: ACMG Guidelines, 2015. Collection method: clinical testing. Allele origin: germline. Observed: 1 variant allele.
Comment: BP4, PM2_moderate

Labcorp Genetics (formerly Invitae), Labcorp
Classification: Uncertain significance for LAMA2-related muscular dystrophy. Last evaluated: 2021-09-01. Review status: criteria provided, single submitter. Criteria: Invitae Variant Classification Sherloc (09022015). Collection method: clinical testing. Allele origin: germline.
Comment: This sequence change replaces threonine with isoleucine at codon 1117 of the LAMA2 protein (p.Thr1117Ile). The threonine residue is moderately conserved and there is a moderate physicochemical difference between threonine and isoleucine. This variant is present in population databases (rs749379475, ExAC 0.001%). This variant has not been reported in the literature in individuals affected with LAMA2-related conditions. Advanced modeling of protein sequence and biophysical properties (such as structural, functional, and spatial information, amino acid conservation, physicochemical variation, residue mobility, and thermodynamic stability) performed at Invitae indicates that this missense variant is not expected to disrupt LAMA2 protein function. In summary, the available evidence is currently insufficient to determine the role of this variant in disease. Therefore, it has been classified as a Variant of Uncertain Significance.